The following is an entry in ClinVar:

NM_001113378.2(FANCI):c.1708G>A (p.Asp570Asn)

Gene: FANCI (FA complementation group I; plus strand). Cytogenetic location: 15q26.1.
Variant type: single nucleotide variant.
Coding change: c.1708G>A on transcript NM_001113378.2 (MANE Select); coding-DNA position 1708, G replaced by A.
Protein change: p.Asp570Asn; replaces aspartic acid 570 with asparagine.
Molecular consequence: missense variant.
Genome position (GRCh38, 1-based): chr15:89,285,105, G>A. VCF-style: chr15-89285105-G-A. GRCh37 (hg19) VCF-style: chr15-89828336-G-A.
Other names: c.1429G>A, p.Asp477Asn (NM_001376910.1); c.1708G>A, p.Asp570Asn (NM_001376911.1, NM_018193.3); short protein forms D477N, D570N.
Identifiers: ClinVar variation 2189084 (VCV002189084.4), dbSNP rs2053765523, ClinGen allele CA393745636.

ClinVar aggregate classification (germline): Uncertain significance (1 of 4 stars; one submission).

Conditions:
Fanconi anemia (FA). Also called: Fanconi's anemia. Identifiers: Orphanet 84, MedGen C0015625, MeSH D005199, MONDO:0019391.

Allele frequency attached by ClinVar (database versions not stated): gnomAD exomes below 0.00001.
gnomAD v4.1: 4 of 1,614,060 alleles (0.00025%); highest among the groups gnomAD compares: East Asian, 0.0067%; no homozygotes.

Submission:

Labcorp Genetics (formerly Invitae), Labcorp
Classification: Uncertain significance for Fanconi anemia. Last evaluated: 2022-04-10. Review status: criteria provided, single submitter. Criteria: Invitae Variant Classification Sherloc (09022015). Collection method: clinical testing. Allele origin: germline.
Comment: In summary, the available evidence is currently insufficient to determine the role of this variant in disease. Therefore, it has been classified as a Variant of Uncertain Significance. Algorithms developed to predict the effect of missense changes on protein structure and function are either unavailable or do not agree on the potential impact of this missense change (SIFT: "Tolerated"; PolyPhen-2: "Possibly Damaging"; Align-GVGD: "Class C0"). This variant has not been reported in the literature in individuals affected with FANCI-related conditions. This variant is not present in population databases (gnomAD no frequency). This sequence change replaces aspartic acid, which is acidic and polar, with asparagine, which is neutral and polar, at codon 570 of the FANCI protein (p.Asp570Asn).